The following is an entry in ClinVar:

NM_001844.5(COL2A1):c.2181T>C (p.Thr727=)

Gene: COL2A1 (collagen type II alpha 1 chain; minus strand). Cytogenetic location: 12q13.11.
Variant type: single nucleotide variant.
Coding change: c.2181T>C on transcript NM_001844.5 (MANE Select); coding-DNA position 2181, T replaced by C.
Protein change: p.Thr727=; no amino-acid change (threonine 727 retained).
Molecular consequence: synonymous variant.
Genome position (GRCh38, 1-based): chr12:47,982,860, A>G on the plus strand (T>C on the coding strand, the complement: COL2A1 is on the minus strand). VCF-style: chr12-47982860-A-G. GRCh37 (hg19) VCF-style: chr12-48376643-A-G.
Other names: c.1974T>C, p.Thr658= (NM_033150.3).
Identifiers: ClinVar variation 3029542 (VCV003029542.2), dbSNP rs2540135684, ClinGen allele CA479462462.

ClinVar aggregate classification (germline): Likely benign (0 of 4 stars; one submission).

Conditions:
COL2A1-related disorder. Also called: COL2A1-related condition; COL2A1-related disorders.

Allele frequency attached by ClinVar (database versions not stated): gnomAD exomes below 0.00001.
gnomAD v4.1: 1 of 1,611,672 alleles (0.000062%); highest among the groups gnomAD compares: Non-Finnish European, 0.000085%; no homozygotes.

Submission:

PreventionGenetics, part of Exact Sciences
Classification: Likely benign for COL2A1-related condition. Last evaluated: 2022-11-09. Review status: no assertion criteria provided. Collection method: clinical testing. Allele origin: germline.
Comment: This variant is classified as likely benign based on ACMG/AMP sequence variant interpretation guidelines (Richards et al. 2015 PMID: 25741868, with internal and published modifications).